The following is an entry in ClinVar:

NM_018975.4(TERF2IP):c.968A>G (p.Glu323Gly)

Gene: TERF2IP (TERF2 interacting protein; plus strand). Cytogenetic location: 16q23.1.
Variant type: single nucleotide variant.
Coding change: c.968A>G on transcript NM_018975.4 (MANE Select); coding-DNA position 968, A replaced by G.
Protein change: p.Glu323Gly; replaces glutamic acid 323 with glycine.
Molecular consequence: missense variant. On other transcripts: non-coding transcript variant (1).
Genome position (GRCh38, 1-based): chr16:75,656,379, A>G. VCF-style: chr16-75656379-A-G. GRCh37 (hg19) VCF-style: chr16-75690277-A-G.
Other names: short protein forms E323G.
Identifiers: ClinVar variation 1767788 (VCV001767788.2), dbSNP rs2507089502, ClinGen allele CA396819978.

ClinVar aggregate classification (germline): Uncertain significance (1 of 4 stars; one submission).

Submission:

Ambry Genetics
Classification: Uncertain significance. Last evaluated: 2021-07-26. Review status: criteria provided, single submitter. Criteria: Ambry Variant Classification Scheme 2023. Collection method: clinical testing. Allele origin: germline.
Comment: The p.E323G variant (also known as c.968A>G), located in coding exon 3 of the TERF2IP gene, results from an A to G substitution at nucleotide position 968. The glutamic acid at codon 323 is replaced by glycine, an amino acid with similar properties. This amino acid position is conserved. In addition, this alteration is predicted to be tolerated by in silico analysis. Since supporting evidence is limited at this time, the clinical significance of this alteration remains unclear.